The following is an entry in ClinVar:

ClinVar aggregate classification (germline): Likely benign. Review status: criteria provided, multiple submitters, no conflicts (2 of 4 stars). 2 submissions from 2 submitters: Likely benign (2). Last evaluated 2025-11-19.

Conditions:
Peroxisome biogenesis disorder 11A (Zellweger). Also called: Peroxisome biogenesis disorder 11A. Identifiers: Orphanet 912, MedGen C3554000, MONDO:0013949, OMIM 614883.
PEX13-related disorder. Also called: PEX13-related disorders; PEX13-related condition.

Allele frequency attached by ClinVar (database versions not stated): gnomAD 0.00001; TOPMed 0.00001.

Submissions (2):

PreventionGenetics, part of Exact Sciences
Classification: Likely benign for PEX13-related condition. Last evaluated: 2025-11-19. Review status: criteria provided, single submitter. Criteria: ACMG Guidelines, 2015. Collection method: clinical testing. Allele origin: germline.
Comment: This variant is classified as likely benign based on ACMG/AMP sequence variant interpretation guidelines (Richards et al. 2015 PMID: 25741868, with internal and published modifications).

Labcorp Genetics (formerly Invitae), Labcorp
Classification: Likely benign for Peroxisome biogenesis disorder 11A (Zellweger). Last evaluated: 2025-03-18. Review status: criteria provided, single submitter. Criteria: Invitae Variant Classification Sherloc (09022015). Collection method: clinical testing. Allele origin: germline.

NM_002618.4(PEX13):c.914-8T>G

Gene: PEX13 (peroxisomal biogenesis factor 13; plus strand). Cytogenetic location: 2p15.
Variant type: single nucleotide variant.
Coding change: c.914-8T>G on transcript NM_002618.4 (MANE Select); 8 bases into the intron before coding-DNA position 914, T replaced by G.
Molecular consequence: intron variant.
Genome position (GRCh38, 1-based): chr2:61,048,464, T>G. VCF-style: chr2-61048464-T-G. GRCh37 (hg19) VCF-style: chr2-61275599-T-G.
Other names: c.914-8T>G (NM_002618.3).
Identifiers: ClinVar variation 1662429 (VCV001662429.9), dbSNP rs769302153, ClinGen allele CA1673394.